The following is an entry in ClinVar:

NM_006947.4(SRP72):c.242C>A (p.Ser81Tyr)

Gene: SRP72 (signal recognition particle 72; plus strand). Cytogenetic location: 4q12.
Variant type: single nucleotide variant.
Coding change: c.242C>A on transcript NM_006947.4 (MANE Select); coding-DNA position 242, C replaced by A.
Protein change: p.Ser81Tyr; replaces serine 81 with tyrosine.
Molecular consequence: missense variant. On other transcripts: non-coding transcript variant (1).
Genome position (GRCh38, 1-based): chr4:56,471,731, C>A. VCF-style: chr4-56471731-C-A. GRCh37 (hg19) VCF-style: chr4-57337897-C-A.
Other names: c.242C>A, p.Ser81Tyr (NM_001267722.2); short protein forms S81Y.
Identifiers: ClinVar variation 3449427 (VCV003449427.1).
Genomic context (GRCh38, chr4:56,471,731, plus strand): 5'-ATTGCATTGTTAGATAATAATCAGATACTGTTTTTTTTTCCTTCTTCAGTAACTCTCTCT[C>A]CTTTGAAAAGGCATATTGCGAGTACAGGCTGAACAGAATTGAGAATGCCTTGAAGACAAT-3'
Protein context (NP_008878.3, residues 71-91): HTKVLANNSL[Ser81Tyr]FEKAYCEYRL

ClinVar aggregate classification (germline): Uncertain significance (1 of 4 stars; one submission).

gnomAD v4.1: 2 of 1,612,350 alleles (0.00012%); highest among the groups gnomAD compares: Non-Finnish European, 0.00017%; no homozygotes.

Submission:

Ambry Genetics
Classification: Uncertain significance. Last evaluated: 2024-12-03. Review status: criteria provided, single submitter. Criteria: Ambry Variant Classification Scheme 2023. Collection method: clinical testing. Allele origin: germline.
Comment: The p.S81Y variant (also known as c.242C>A), located in coding exon 3 of the SRP72 gene, results from a C to A substitution at nucleotide position 242. The serine at codon 81 is replaced by tyrosine, an amino acid with dissimilar properties. This amino acid position is conserved. In addition, this alteration is predicted to be tolerated by in silico analysis. Based on the available evidence, the clinical significance of this variant remains unclear.